The following is an entry in ClinVar:

NM_000054.7(AVPR2):c.19A>T (p.Thr7Ser)

Gene: AVPR2 (arginine vasopressin receptor 2; plus strand). Cytogenetic location: Xq28.
Variant type: single nucleotide variant.
Coding change: c.19A>T on transcript NM_000054.7 (MANE Select); coding-DNA position 19, A replaced by T.
Protein change: p.Thr7Ser; replaces threonine 7 with serine.
Molecular consequence: missense variant. On other transcripts: non-coding transcript variant (1).
Genome position (GRCh38, 1-based): chrX:153,905,164, A>T. VCF-style: chrX-153905164-A-T. GRCh37 (hg19) VCF-style: chrX-153170618-A-T.
Other names: c.19A>T, p.Thr7Ser (NM_001146151.3); short protein forms T7S.
Identifiers: ClinVar variation 368071 (VCV000368071.17), dbSNP rs5196, ClinGen allele CA10554909.
Genomic context (GRCh38, chrX:153,905,164, plus strand): 5'-ACATCACCTCCAGGCCCTCAGAACACCTGCCCCAGCCCCACCATGCTCATGGCGTCCACC[A>T]CTTCCGGTAAGGCTTGCCCCTCCATGAGTCCGGTGGGCAGAGTGGGTTTGACGATTCAGG-3'
Protein context (NP_000045.1, residues 1-17): MLMAST[Thr7Ser]SAVPGHPSLP

ClinVar aggregate classification (germline): Benign. Review status: criteria provided, multiple submitters, no conflicts (2 of 4 stars). 4 submissions from 4 submitters: Benign (3). 1 of the submissions does not count toward it. Last evaluated 2026-01-31.

Conditions:
AVPR2-related disorder. Also called: AVPR2-related condition.
Diabetes insipidus, nephrogenic, X-linked. Also called: Nephrogenic Diabetes Insipidus, Type I. Identifiers: Orphanet 223, MedGen C1563705, MONDO:0010581, OMIM 304800.

Allele frequency attached by ClinVar (database versions not stated): gnomAD exomes 0.00328 and 0.00773; ExAC 0.00928; gnomAD 0.02514 and 0.02678; 1000 Genomes Project 0.02570; 1000 Genomes Project 30x 0.02726; TOPMed 0.02833; ESP Exome Variant Server 0.03209.

Submissions (4):

Labcorp Genetics (formerly Invitae), Labcorp
Classification: Benign. Last evaluated: 2026-01-31. Review status: criteria provided, single submitter. Criteria: Invitae Variant Classification Sherloc (09022015). Collection method: clinical testing. Allele origin: germline.

Illumina Laboratory Services, Illumina
Classification: Benign for Diabetes insipidus, nephrogenic, X-linked. Last evaluated: 2017-04-27. Review status: criteria provided, single submitter. Criteria: ICSL Variant Classification Criteria 13 December 2019. Collection method: clinical testing. Allele origin: germline.
Comment: This variant was observed as part of a predisposition screen in an ostensibly healthy population. A literature search was performed for the gene, cDNA change, and amino acid change (where applicable). Publications were found based on this search. The evidence from the literature, in combination with allele frequency data from public databases where available, was sufficient to rule this variant out of causing disease. Therefore, this variant is classified as benign.

Breakthrough Genomics
Classification: Benign. Review status: criteria provided, single submitter. Criteria: ACMG Guidelines, 2015. Collection method: not provided. Allele origin: germline. Inheritance: X-linked inheritance. Affected: yes.

PreventionGenetics, part of Exact Sciences
Classification: Benign for AVPR2-related condition. Last evaluated: 2020-02-20. Review status: no assertion criteria provided. Collection method: clinical testing. Allele origin: germline. Not counted in ClinVar's aggregate classification.
Comment: This variant is classified as benign based on ACMG/AMP sequence variant interpretation guidelines (Richards et al. 2015 PMID: 25741868, with internal and published modifications).

Literature cited by the submitters: PubMed 8037205 (cited by Illumina Laboratory Services, Illumina).